The following is an entry in ClinVar:

ClinVar aggregate classification (germline): Pathogenic (1 of 4 stars; one submission).

Submission:

Labcorp Genetics (formerly Invitae), Labcorp
Classification: Pathogenic. Last evaluated: 2024-02-03. Review status: criteria provided, single submitter. Criteria: Invitae Variant Classification Sherloc (09022015). Collection method: clinical testing. Allele origin: germline.
Comment: This sequence change creates a premature translational stop signal (p.Glu1496Lysfs*3) in the RP1 gene. While this is not anticipated to result in nonsense mediated decay, it is expected to disrupt the last 661 amino acid(s) of the RP1 protein. This variant is not present in population databases (gnomAD no frequency). This variant has not been reported in the literature in individuals affected with RP1-related conditions. This variant disrupts the C-terminus of the RP1 protein. Many variants that disrupt this region have been reported in individuals with either autosomal dominant or autosomal recessive retinitis pigmentosa (PMID: 11527933, 19933189, 29425069, 30027431, 33681214). Therefore, variants that disrupt this region are expected to be disease-causing. For these reasons, this variant has been classified as Pathogenic.

Literature cited by the submitters: PubMed 11527933; PubMed 19933189; PubMed 29425069; PubMed 30027431; PubMed 33681214.

NM_006269.2(RP1):c.4486del (p.Glu1496fs)

Gene: RP1 (RP1 axonemal microtubule associated; plus strand). Cytogenetic location: 8q12.1.
Variant type: Deletion.
Coding change: c.4486del on transcript NM_006269.2 (MANE Select); coding-DNA position 4486, one base deleted (G; older notation c.4486delG).
Protein change: p.Glu1496fs; shifts the reading frame from glutamic acid 1496.
Molecular consequence: frameshift variant. On other transcripts: intron variant (1).
Genome position (GRCh38, 1-based): chr8:54,628,368, G deleted. VCF-style (leftmost placement, unchanged base first): chr8-54628367-AG-A. GRCh37 (hg19) VCF-style: chr8-55540927-AG-A.
Other names: c.787+6080del (NM_001375654.1); short protein forms E1496fs.
Identifiers: ClinVar variation 3691398 (VCV003691398.2).